The following is an entry in ClinVar:

ClinVar aggregate classification (germline): Likely benign. Review status: criteria provided, single submitter (1 of 4 stars). 2 submissions from 2 submitters: Likely benign (1). 1 of the submissions does not count toward it. Last evaluated 2023-01-23.

Conditions:
EP300-related disorder. Also called: EP300-related disorders; EP300-related condition.

gnomAD v4.1: 6 of 1,613,998 alleles (0.00037%); highest among the groups gnomAD compares: Non-Finnish European, 0.00042%; no homozygotes.

Submissions (2):

Blueprint Genetics
Classification: Likely benign. Last evaluated: 2023-01-23. Review status: criteria provided, single submitter. Criteria: ACMG Guidelines, 2015. Collection method: clinical testing. Allele origin: germline.

PreventionGenetics, part of Exact Sciences
Classification: Likely benign for EP300-related condition. Last evaluated: 2023-02-15. Review status: no assertion criteria provided. Collection method: clinical testing. Allele origin: germline. Not counted in ClinVar's aggregate classification.
Comment: This variant is classified as likely benign based on ACMG/AMP sequence variant interpretation guidelines (Richards et al. 2015 PMID: 25741868, with internal and published modifications).

NM_001429.4(EP300):c.7221A>T (p.Ser2407=)

Gene: EP300 (EP300 lysine acetyltransferase; plus strand). Cytogenetic location: 22q13.2.
Variant type: single nucleotide variant.
Coding change: c.7221A>T on transcript NM_001429.4 (MANE Select); coding-DNA position 7221, A replaced by T.
Protein change: p.Ser2407=; no amino-acid change (serine 2407 retained).
Molecular consequence: synonymous variant.
Genome position (GRCh38, 1-based): chr22:41,178,932, A>T. VCF-style: chr22-41178932-A-T. GRCh37 (hg19) VCF-style: chr22-41574936-A-T.
Other names: c.7143A>T, p.Ser2381= (NM_001362843.2).
Identifiers: ClinVar variation 3355926 (VCV003355926.2).